The following is an entry in ClinVar:

ClinVar aggregate classification (germline): Likely pathogenic (1 of 4 stars; one submission).

Conditions:
Hereditary breast ovarian cancer syndrome. Also called: Hereditary breast and ovarian cancer syndrome (HBOC); Hereditary breast and ovarian cancer syndrome; Breast and ovarian cancer; Hereditary breast and/or ovarian cancer syndrome; Hereditary breast and ovarian cancer; BRCA1- and BRCA2-Associated Hereditary Breast and Ovarian Cancer. Identifiers: Orphanet 145, MedGen C0677776, MeSH D061325, MONDO:0003582. Disease mechanism: loss of function.

Submission:

Labcorp Genetics (formerly Invitae), Labcorp
Classification: Likely pathogenic for Hereditary breast and ovarian cancer syndrome. Last evaluated: 2018-02-22. Review status: criteria provided, single submitter. Criteria: Invitae Variant Classification Sherloc (09022015). Collection method: clinical testing. Allele origin: germline.
Comment: This variant is a copy number gain of the genomic region encompassing exons 14-24 of the BRCA2 gene. Four copies of this region have been detected, but the exact position of these copies in the genome is not known. However, sub-genic duplications are generally in tandem (PMID: 25640679) andÂ¬â€  it is likely that three copies of this region (i.e. a triplication) are in tandem and may result in an absent or disrupted protein product This variant has not been reported in the literature in individuals with BRCA2-related disease. Experimental studies and prediction algorithms are not available for this variant, and the functional significance of the duplicated amino acids is currently unknown. Loss-of-function variants in BRCA2 are known to be pathogenic (PMID: 20104584). In summary, the currently available evidence indicates that the variant is pathogenic, but additional data are needed to prove that conclusively. Therefore, this variant has been classified as Likely Pathogenic.

NC_000013.10:g.(?_32928992)_(32954288_?)dup

Gene: BRCA2 (BRCA2 DNA repair associated; plus strand). Cytogenetic location: 13q13.1.
Variant type: Duplication.
Identifiers: ClinVar variation 462169 (VCV000462169.1).